The following is an entry in ClinVar:

ClinVar aggregate classification (germline): Uncertain significance (1 of 4 stars; one submission).

gnomAD v4.1: 1 of 1,610,576 alleles (0.000062%); highest among the groups gnomAD compares: Non-Finnish European, 0.000085%; no homozygotes.

Submission:

Labcorp Genetics (formerly Invitae), Labcorp
Classification: Uncertain significance. Last evaluated: 2022-06-08. Review status: criteria provided, single submitter. Criteria: Invitae Variant Classification Sherloc (09022015). Collection method: clinical testing. Allele origin: germline.
Comment: In summary, the available evidence is currently insufficient to determine the role of this variant in disease. Therefore, it has been classified as a Variant of Uncertain Significance. Algorithms developed to predict the effect of missense changes on protein structure and function are either unavailable or do not agree on the potential impact of this missense change (SIFT: "Tolerated"; PolyPhen-2: "Probably Damaging"; Align-GVGD: "Class C0"). This variant has not been reported in the literature in individuals affected with NUP205-related conditions. This variant is not present in population databases (gnomAD no frequency). This sequence change replaces methionine, which is neutral and non-polar, with threonine, which is neutral and polar, at codon 403 of the NUP205 protein (p.Met403Thr).

NM_015135.3(NUP205):c.1208T>C (p.Met403Thr)

Gene: NUP205 (nucleoporin 205; plus strand). Cytogenetic location: 7q33.
Variant type: single nucleotide variant.
Coding change: c.1208T>C on transcript NM_015135.3 (MANE Select); coding-DNA position 1208, T replaced by C.
Protein change: p.Met403Thr; replaces methionine 403 with threonine.
Molecular consequence: missense variant.
Genome position (GRCh38, 1-based): chr7:135,584,997, T>C. VCF-style: chr7-135584997-T-C. GRCh37 (hg19) VCF-style: chr7-135269745-T-C.
Other names: c.134T>C, p.Met45Thr (NM_001329434.2); short protein forms M403T, M45T.
Identifiers: ClinVar variation 2415942 (VCV002415942.5), dbSNP rs920157704, ClinGen allele CA167057348.